The following is an entry in ClinVar:

NM_000548.5(TSC2):c.774+1G>A

Gene: TSC2 (TSC complex subunit 2; plus strand). Cytogenetic location: 16p13.3.
Variant type: single nucleotide variant.
Coding change: c.774+1G>A on transcript NM_000548.5 (MANE Select); the canonical splice donor site of the intron after coding-DNA position 774, G replaced by A.
Molecular consequence: splice donor variant.
Genome position (GRCh38, 1-based): chr16:2,056,770, G>A. VCF-style: chr16-2056770-G-A. GRCh37 (hg19) VCF-style: chr16-2106771-G-A.
Other names: c.-658+1G>A (NM_001406693.1, NM_001406689.1, NM_001406690.1 and 4 more transcripts); c.864+1G>A (NM_001406667.1, NM_001406668.1); c.174+1G>A (NM_001406680.1, NM_001406683.1, NM_001406687.1 and 6 more transcripts); c.-834+1G>A (NM_001406698.1); c.774+1G>A (NM_001114382.3, NM_001406663.1, NM_001406664.1 and 6 more transcripts); c.-539+1G>A (NM_001406694.1, NM_001406695.1); c.762+1G>A (NM_001406671.1, NM_001406673.1); c.312+1G>A (NM_001406681.1); and 4 more.
Identifiers: ClinVar variation 49919 (VCV000049919.15), dbSNP rs45517128, ClinGen allele CA022937.
Genomic context (GRCh38, chr16:2,056,770, plus strand): 5'-TTCATCGTTACCCTCTGTCGCACCATCAACGTCAAGGAGCTCTGCGAGCCTTGCTGGAAG[G>A]TGGGGTTTCTGAAACTGCTCTGGAAGGTTCCTGAGAGCACATGGATGGGACAAGGGCCAT-3'

ClinVar aggregate classification (germline): Pathogenic. Review status: criteria provided, multiple submitters, no conflicts (2 of 4 stars). 5 submissions from 5 submitters: Pathogenic (4). 1 of the submissions does not count toward it. Last evaluated 2024-07-08.

Conditions:
Tuberous sclerosis syndrome (TSC). Also called: Tuberous Sclerosis Complex; Tuberous sclerosis. Identifiers: Orphanet 805, MedGen C0041341, MONDO:0001734.
Tuberous sclerosis 2 (TSC2). Identifiers: Orphanet 805, MedGen C1860707, MONDO:0013199, OMIM 613254.

Submissions (5):

3billion
Classification: Pathogenic for Tuberous sclerosis 2. Last evaluated: 2024-07-08. Review status: criteria provided, single submitter. Criteria: ACMG Guidelines, 2015. Collection method: clinical testing. Allele origin: germline. Affected: yes.
Comment: The variant is not observed in the gnomAD v4.0.0 dataset. Predicted Consequence/Location: Canonical splice site: predicted to alter splicing and result in a loss or disruption of normal protein function. Multiple pathogenic loss-of-function variants are reported downstream of the variant. The variant has been reported at least twice as pathogenic with clinical assertions and evidence for the classification (ClinVar ID: VCV000049919 /PMID: 15798777). Therefore, this variant is classified as Pathogenic according to the recommendation of ACMG/AMP guideline.

Genome-Nilou Lab
Classification: Pathogenic for Tuberous sclerosis 2. Last evaluated: 2021-11-07. Review status: criteria provided, single submitter. Criteria: ACMG Guidelines, 2015. Collection method: clinical testing. Allele origin: germline. Affected: no.

Labcorp Genetics (formerly Invitae), Labcorp
Classification: Pathogenic for Tuberous sclerosis 2. Last evaluated: 2019-12-24. Review status: criteria provided, single submitter. Criteria: Invitae Variant Classification Sherloc (09022015). Collection method: clinical testing. Allele origin: germline.
Comment: This sequence change affects a donor splice site in intron 8 of the TSC2 gene. It is expected to disrupt RNA splicing and likely results in an absent or disrupted protein product. This variant is not present in population databases (ExAC no frequency). Disruption of this splice site has been observed in individual(s) with tuberous sclerosis complex (PMID: 10735580, 15798777, 17304050, 29101226). In at least one individual the splice site variant was observed to be de novo. ClinVar contains an entry for this variant (Variation ID: 49919). Algorithms developed to predict the effect of sequence changes on RNA splicing suggest that this variant may disrupt the consensus splice site, but this prediction has not been confirmed by published transcriptional studies. Donor and acceptor splice site variants typically lead to a loss of protein function (PMID: 16199547), and loss-of-function variants in TSC2 are known to be pathogenic (PMID: 10205261, 17304050). For these reasons, this variant has been classified as Pathogenic.

GeneDx
Classification: Pathogenic. Last evaluated: 2019-10-02. Review status: criteria provided, single submitter. Criteria: GeneDx Variant Classification Process June 2021. Collection method: clinical testing. Allele origin: germline. Affected: yes.
Comment: Canonical splice site variant predicted to result in an in-frame deletion of a critical region; Not observed in large population cohorts (Lek et al., 2016); This variant is associated with the following publications: (PMID: 29975249, 15798777, 17304050, 25525159)

Tuberous sclerosis database (TSC2)
No classification provided. Condition: TSC. Review status: no classification provided. Criteria: Tuberous Sclerosis Database Assertion Criteria 2015. Collection method: curation. Allele origin: germline. Affected: yes. Not counted in ClinVar's aggregate classification.

Literature cited by the submitters: PubMed 15798777 (cited by 3billion and Labcorp Genetics (formerly Invitae), Labcorp); PubMed 10735580 (cited by Labcorp Genetics (formerly Invitae), Labcorp); PubMed 17304050 (cited by Labcorp Genetics (formerly Invitae), Labcorp); PubMed 29101226 (cited by Labcorp Genetics (formerly Invitae), Labcorp); PubMed 16199547 (cited by Labcorp Genetics (formerly Invitae), Labcorp); PubMed 10205261 (cited by Labcorp Genetics (formerly Invitae), Labcorp).